The following is an entry in ClinVar:

ClinVar aggregate classification (germline): Benign (0 of 4 stars; one submission).

Conditions:
TARS1-related disorder. Also called: TARS1-related condition.

Allele frequency attached by ClinVar (database versions not stated): 1000 Genomes Project 0.00240; 1000 Genomes Project 30x 0.00312; ESP Exome Variant Server 0.00408.
gnomAD v4.1: 1,046 of 1,613,834 alleles (0.065%); highest among the groups gnomAD compares: African/African-American, 1.2%; 6 homozygotes.

Submission:

PreventionGenetics, part of Exact Sciences
Classification: Benign for TARS1-related condition. Last evaluated: 2019-11-06. Review status: no assertion criteria provided. Collection method: clinical testing. Allele origin: germline.
Comment: This variant is classified as benign based on ACMG/AMP sequence variant interpretation guidelines (Richards et al. 2015 PMID: 25741868, with internal and published modifications).

NM_152295.5(TARS1):c.2115C>G (p.Ile705Met)

Gene: TARS1 (threonyl-tRNA synthetase 1; plus strand). Cytogenetic location: 5p13.3.
Variant type: single nucleotide variant.
Coding change: c.2115C>G on transcript NM_152295.5 (MANE Select); coding-DNA position 2115, C replaced by G.
Protein change: p.Ile705Met; replaces isoleucine 705 with methionine.
Molecular consequence: missense variant. On other transcripts: non-coding transcript variant (3).
Genome position (GRCh38, 1-based): chr5:33,467,651, C>G. VCF-style: chr5-33467651-C-G. GRCh37 (hg19) VCF-style: chr5-33467756-C-G.
Other names: c.2115C>G, p.Ile705Met (NM_001258437.1); c.2214C>G, p.Ile738Met (NM_001258438.2); c.2082C>G, p.Ile694Met (NM_003191.1); short protein forms I694M, I705M, I738M.
Identifiers: ClinVar variation 3045081 (VCV003045081.2), dbSNP rs61734318, ClinGen allele CA3223615.